The following is an entry in ClinVar:

NM_014225.6(PPP2R1A):c.59T>C (p.Leu20Pro)

Gene: PPP2R1A (protein phosphatase 2 scaffold subunit Aalpha; plus strand). Cytogenetic location: 19q13.41.
Variant type: single nucleotide variant.
Coding change: c.59T>C on transcript NM_014225.6 (MANE Select); coding-DNA position 59, T replaced by C.
Protein change: p.Leu20Pro; replaces leucine 20 with proline.
Molecular consequence: missense variant. On other transcripts: non-coding transcript variant (1).
Genome position (GRCh38, 1-based): chr19:52,190,155, T>C. VCF-style: chr19-52190155-T-C. GRCh37 (hg19) VCF-style: chr19-52693408-T-C.
Other names: short protein forms L20P.
Identifiers: ClinVar variation 3772270 (VCV003772270.13).
Genomic context (GRCh38, chr19:52,190,155, plus strand): 5'-AGATGGCGGCGGCCGACGGCGACGACTCGCTGTACCCCATCGCGGTGCTCATAGACGAAC[T>C]CCGCAATGAGGACGTTCAGGTCCGGAGGCTACGGGGGACTTGGGGAAGACGCGGAGGGGT-3'
Protein context (NP_055040.2, residues 10-30): LYPIAVLIDE[Leu20Pro]RNEDVQLRLN

ClinVar aggregate classification (germline): Uncertain significance (1 of 4 stars; one submission).

Submission:

CeGaT Center for Human Genetics Tuebingen
Classification: Uncertain significance. Last evaluated: 2025-01-01. Review status: criteria provided, single submitter. Criteria: CeGaT Center For Human Genetics Tuebingen Variant Classification Criteria Version 2. Collection method: clinical testing. Allele origin: germline. Affected: yes. Observed: 1 variant allele.
Comment: PPP2R1A: PM2, PP2